The following is an entry in ClinVar:

ClinVar aggregate classification (germline): Uncertain significance (1 of 4 stars; one submission).

Submission:

Mayo Clinic Laboratories, Mayo Clinic
Classification: Uncertain significance. Last evaluated: 2025-08-04. Review status: criteria provided, single submitter. Criteria: ACMG Guidelines, 2015. Collection method: clinical testing. Allele origin: germline. Observed: 1 variant allele.
Comment: PP3, PM2_supporting

Literature cited by the submitters: PubMed 32266426.

NM_000037.4(ANK1):c.776T>C (p.Leu259Pro)

Gene: ANK1 (ankyrin 1; minus strand). Cytogenetic location: 8p11.21.
Variant type: single nucleotide variant.
Coding change: c.776T>C on transcript NM_000037.4 (MANE Select); coding-DNA position 776, T replaced by C.
Protein change: p.Leu259Pro; replaces leucine 259 with proline.
Molecular consequence: missense variant.
Genome position (GRCh38, 1-based): chr8:41,723,569, A>G on the plus strand (T>C on the coding strand, the complement: ANK1 is on the minus strand). VCF-style: chr8-41723569-A-G. GRCh37 (hg19) VCF-style: chr8-41581087-A-G.
Other names: p.Leu259Pro; c.875T>C, p.Leu292Pro (NM_001142446.2); c.776T>C, p.Leu259Pro (NM_020475.3, NM_020476.3, NM_020477.3); short protein forms L292P, L259P.
Identifiers: ClinVar variation 4541371 (VCV004541371.1).